The following is an entry in ClinVar:

ClinVar aggregate classification (germline): Conflicting classifications of pathogenicity. Review status: criteria provided, conflicting classifications (1 of 4 stars). 6 submissions from 5 submitters: Uncertain significance (2); Likely benign (3). 1 of the submissions does not count toward it. Last evaluated 2026-08-10.

Conditions:
CDH23-related disorder. Also called: CDH23-related disorders; CDH23-related condition.
Usher syndrome type 1 (USH1). Also called: RETINITIS PIGMENTOSA AND CONGENITAL DEAFNESS. Identifiers: Orphanet 231169, Orphanet 886, MedGen C1568247, MONDO:0010168, OMIM 276900.
Autosomal recessive nonsyndromic hearing loss 12. Also called: DEAFNESS, AUTOSOMAL RECESSIVE 12. Identifiers: Orphanet 90636, MedGen C1832394, MONDO:0011067, OMIM 601386.
Usher syndrome type 1D (USH1D). Also called: USHER SYNDROME, TYPE ID. Identifiers: Orphanet 231169, Orphanet 886, MedGen C1832845, MONDO:0010984, OMIM 601067.

Allele frequency attached by ClinVar (database versions not stated): ExAC 0.00003; gnomAD exomes 0.00003 and 0.00004; gnomAD 0.00004; TOPMed 0.00004.
gnomAD v4.1: 42 of 1,604,272 alleles (0.0026%); highest among the groups gnomAD compares: Middle Eastern, 0.082%; no homozygotes.

Submissions (6):

PreventionGenetics, part of Exact Sciences
Classification: Likely benign for CDH23-related condition. Last evaluated: 2026-08-10. Review status: criteria provided, single submitter. Criteria: ACMG Guidelines, 2015. Collection method: clinical testing. Allele origin: germline.
Comment: This variant is classified as likely benign based on ACMG/AMP sequence variant interpretation guidelines (Richards et al. 2015 PMID: 25741868, with internal and published modifications).

Labcorp Genetics (formerly Invitae), Labcorp
Classification: Likely benign. Last evaluated: 2025-06-11. Review status: criteria provided, single submitter. Criteria: Invitae Variant Classification Sherloc (09022015). Collection method: clinical testing. Allele origin: germline.

Illumina Laboratory Services, Illumina
Classification: Uncertain significance for Autosomal recessive nonsyndromic hearing loss 12. Last evaluated: 2018-01-13. Review status: criteria provided, single submitter. Criteria: ICSL Variant Classification Criteria 13 December 2019. Collection method: clinical testing. Allele origin: germline.

Illumina Laboratory Services, Illumina
Classification: Uncertain significance for Usher syndrome type 1D. Last evaluated: 2018-01-13. Review status: criteria provided, single submitter. Criteria: ICSL Variant Classification Criteria 13 December 2019. Collection method: clinical testing. Allele origin: germline.

Laboratory for Molecular Medicine, Mass General Brigham Personalized Medicine
Classification: Likely benign. Last evaluated: 2010-10-04. Review status: criteria provided, single submitter. Criteria: LMM Criteria. Collection method: clinical testing. Allele origin: germline. Observed: 1 variant allele.
Comment: Asn555Asn in exon 16 of CDH23: This variant is not expected to have clinical sig nificance because it does not alter an amino acid residue and is not located nea r a splice junction.

Natera, Inc.
Classification: Likely benign for Usher syndrome type 1. Last evaluated: 2020-12-27. Review status: no assertion criteria provided. Collection method: clinical testing. Allele origin: germline. Not counted in ClinVar's aggregate classification.

NM_022124.6(CDH23):c.1665C>T (p.Asn555=)

Gene: CDH23 (cadherin related 23; plus strand). Cytogenetic location: 10q22.1.
Variant type: single nucleotide variant.
Coding change: c.1665C>T on transcript NM_022124.6 (MANE Select); coding-DNA position 1665, C replaced by T.
Protein change: p.Asn555=; no amino-acid change (asparagine 555 retained).
Molecular consequence: synonymous variant.
Genome position (GRCh38, 1-based): chr10:71,677,606, C>T. VCF-style: chr10-71677606-C-T. GRCh37 (hg19) VCF-style: chr10-73437363-C-T.
Other names: c.1665C>T, p.Asn555= (NM_001171930.2, NM_001171931.2).
Identifiers: ClinVar variation 45880 (VCV000045880.19), dbSNP rs397517310, ClinGen allele CA137297.